The following is an entry in ClinVar:

NM_014795.4(ZEB2):c.2981_2984del (p.Thr994fs)

Gene: ZEB2 (zinc finger E-box binding homeobox 2; minus strand). Cytogenetic location: 2q22.3.
Variant type: Deletion.
Coding change: c.2981_2984del on transcript NM_014795.4 (MANE Select); coding-DNA positions 2981 to 2984, 4 bases deleted (CAGA; older notation c.2981_2984delCAGA).
Protein change: p.Thr994fs; shifts the reading frame from threonine 994.
Molecular consequence: frameshift variant.
Genome position (GRCh38, 1-based): chr2:144,396,495-144,396,498, TCTG deleted on the plus strand (CAGA on the coding strand, the reverse complement: ZEB2 is on the minus strand); deleting any 4 consecutive bases within chr2:144,396,495-144,396,501 gives the same sequence; the c. name uses the placement nearest the transcript's 3' end. VCF-style (leftmost placement, unchanged base first): chr2-144396494-CTCTG-C. GRCh37 (hg19) VCF-style: chr2-145154061-CTCTG-C.
Other names: c.2909_2912del, p.Thr970fs (NM_001171653.2); short protein forms T970fs, T994fs.
Identifiers: ClinVar variation 4854727 (VCV004854727.1).

ClinVar aggregate classification (germline): Likely pathogenic (1 of 4 stars; one submission).

Conditions:
Mowat-Wilson syndrome (MOWS). Also called: Classic Mowat-Wilson Syndrome. Identifiers: Orphanet 2152, MedGen C1856113, MONDO:0009341, OMIM 235730.

Submission:

3billion
Classification: Likely pathogenic for Mowat-Wilson syndrome. Last evaluated: 2025-11-10. Review status: criteria provided, single submitter. Criteria: ACMG Guidelines, 2015. Collection method: clinical testing. Allele origin: germline. Affected: yes.
Comment: The variant is not observed in the gnomAD v4.1.0 dataset. Predicted Consequence/Location: Frameshift: predicted to result in a loss or disruption of normal protein function through nonsense-mediated decay (NMD) or protein truncation. Multiple pathogenic variants are reported downstream of the variant. Therefore, this variant is classified as Likely pathogenic according to the recommendation of ACMG/AMP guideline.